The following is an entry in ClinVar:

NM_006080.3(SEMA3A):c.302A>G (p.Asp101Gly)

Gene: SEMA3A (semaphorin 3A; minus strand). Cytogenetic location: 7q21.11.
Variant type: single nucleotide variant.
Coding change: c.302A>G on transcript NM_006080.3 (MANE Select); coding-DNA position 302, A replaced by G.
Protein change: p.Asp101Gly; replaces aspartic acid 101 with glycine.
Molecular consequence: missense variant.
Genome position (GRCh38, 1-based): chr7:84,129,154, T>C on the plus strand (A>G on the coding strand, the complement: SEMA3A is on the minus strand). VCF-style: chr7-84129154-T-C. GRCh37 (hg19) VCF-style: chr7-83758470-T-C.
Other names: short protein forms D101G.
Identifiers: ClinVar variation 3351845 (VCV003351845.3).

ClinVar aggregate classification (germline): Uncertain significance. Review status: criteria provided, multiple submitters, no conflicts (2 of 4 stars). 2 submissions from 2 submitters: Uncertain significance (2). Last evaluated 2026-08-25.

Conditions:
Inborn genetic diseases. Identifiers: MedGen C0950123, MeSH D030342.
SEMA3A-related disorder. Also called: SEMA3A-related condition.

gnomAD v4.1: 8 of 1,613,080 alleles (0.0005%); highest among the groups gnomAD compares: Admixed American, 0.013%; no homozygotes.

Submissions (2):

PreventionGenetics, part of Exact Sciences
Classification: Uncertain significance for SEMA3A-related condition. Last evaluated: 2026-08-25. Review status: criteria provided, single submitter. Criteria: ACMG Guidelines, 2015. Collection method: clinical testing. Allele origin: germline.
Comment: The SEMA3A c.302A>G variant is predicted to result in the amino acid substitution p.Asp101Gly. To our knowledge, this variant has not been reported in the literature. This variant is reported in 0.0058% of alleles in individuals of Latino descent in gnomAD. At this time, the clinical significance of this variant is uncertain due to the absence of conclusive functional and genetic evidence.

Ambry Genetics
Classification: Uncertain significance for Inborn genetic diseases. Last evaluated: 2025-06-29. Review status: criteria provided, single submitter. Criteria: Ambry Variant Classification Scheme 2023. Collection method: clinical testing. Allele origin: germline.